The following is an entry in ClinVar:

NM_133259.4(LRPPRC):c.907C>T (p.Arg303Cys)

Gene: LRPPRC (leucine rich pentatricopeptide repeat containing; minus strand). Cytogenetic location: 2p21.
Variant type: single nucleotide variant.
Coding change: c.907C>T on transcript NM_133259.4 (MANE Select); coding-DNA position 907, C replaced by T.
Protein change: p.Arg303Cys; replaces arginine 303 with cysteine.
Molecular consequence: missense variant.
Genome position (GRCh38, 1-based): chr2:43,974,716, G>A on the plus strand (C>T on the coding strand, the complement: LRPPRC is on the minus strand). VCF-style: chr2-43974716-G-A. GRCh37 (hg19) VCF-style: chr2-44201855-G-A.
Other names: short protein forms R303C.
Identifiers: ClinVar variation 3712748 (VCV003712748.2).
Genomic context (GRCh38, chr2:43,974,716, plus strand): 5'-CTGAGACATACTGAGGATACCCAGCTTTACTGAAGCTAAAAATAATTTGCAGTAAATCAC[G>A]GTCCATAAGGTGAAGCTCGGACTTCTCCACCTTCTCCAGAGTCTATAGAGAGTTCCAGAA-3'
Protein context (NP_573566.2, residues 293-313): VEKSELHLMD[Arg303Cys]DLLQIIFSFS

ClinVar aggregate classification (germline): Uncertain significance (1 of 4 stars; one submission).

gnomAD v4.1: 24 of 1,612,900 alleles (0.0015%); highest among the groups gnomAD compares: South Asian, 0.0044%; no homozygotes.

Submission:

Labcorp Genetics (formerly Invitae), Labcorp
Classification: Uncertain significance. Last evaluated: 2025-04-28. Review status: criteria provided, single submitter. Criteria: Invitae Variant Classification Sherloc (09022015). Collection method: clinical testing. Allele origin: germline.
Comment: This sequence change replaces arginine, which is basic and polar, with cysteine, which is neutral and slightly polar, at codon 303 of the LRPPRC protein (p.Arg303Cys). This variant is present in population databases (rs775309201, gnomAD 0.01%). This variant has not been reported in the literature in individuals affected with LRPPRC-related conditions. ClinVar contains an entry for this variant (Variation ID: 3712748). Invitae Evidence Modeling of protein sequence and biophysical properties (such as structural, functional, and spatial information, amino acid conservation, physicochemical variation, residue mobility, and thermodynamic stability) indicates that this missense variant is expected to disrupt LRPPRC protein function with a positive predictive value of 80%. In summary, the available evidence is currently insufficient to determine the role of this variant in disease. Therefore, it has been classified as a Variant of Uncertain Significance.